The following is an entry in ClinVar:

ClinVar aggregate classification (germline): Uncertain significance (1 of 4 stars; one submission).

gnomAD v4.1: 24 of 1,614,154 alleles (0.0015%); highest among the groups gnomAD compares: East Asian, 0.0045%; no homozygotes.

Submission:

Mayo Clinic Laboratories, Mayo Clinic
Classification: Uncertain significance. Last evaluated: 2025-04-16. Review status: criteria provided, single submitter. Criteria: ACMG Guidelines, 2015. Collection method: clinical testing. Allele origin: germline. Observed: 1 variant allele.
Comment: PP3_moderate, PM2_supporting

NM_005689.4(ABCB6):c.1549G>A (p.Ala517Thr)

Gene: ABCB6 (ATP binding cassette subfamily B member 6 (LAN blood group); minus strand). Cytogenetic location: 2q35.
Variant type: single nucleotide variant.
Coding change: c.1549G>A on transcript NM_005689.4 (MANE Select); coding-DNA position 1549, G replaced by A.
Protein change: p.Ala517Thr; replaces alanine 517 with threonine.
Molecular consequence: missense variant.
Genome position (GRCh38, 1-based): chr2:219,213,855, C>T on the plus strand (G>A on the coding strand, the complement: ABCB6 is on the minus strand). VCF-style: chr2-219213855-C-T. GRCh37 (hg19) VCF-style: chr2-220078577-C-T.
Other names: p.Ala517Thr; c.1411G>A, p.Ala471Thr (NM_001349828.2); short protein forms A517T, A471T.
Identifiers: ClinVar variation 4540805 (VCV004540805.1).